The following is an entry in ClinVar:

NM_004789.4(LHX2):c.458G>T (p.Gly153Val)

Gene: LHX2 (LIM homeobox 2; plus strand). Cytogenetic location: 9q33.3.
Variant type: single nucleotide variant.
Coding change: c.458G>T on transcript NM_004789.4 (MANE Select); coding-DNA position 458, G replaced by T.
Protein change: p.Gly153Val; replaces glycine 153 with valine.
Molecular consequence: missense variant.
Genome position (GRCh38, 1-based): chr9:124,015,256, G>T. VCF-style: chr9-124015256-G-T. GRCh37 (hg19) VCF-style: chr9-126777535-G-T.
Other names: short protein forms G153V.
Identifiers: ClinVar variation 4082829 (VCV004082829.2).

ClinVar aggregate classification (germline): Uncertain significance (1 of 4 stars; one submission).

Submission:

GeneDx
Classification: Uncertain significance. Last evaluated: 2026-09-01. Review status: criteria provided, single submitter. Criteria: GeneDx Variant Classification Process June 2021. Collection method: clinical testing. Allele origin: germline.
Comment: Not observed at significant frequency in large population cohorts (gnomAD); In silico analysis supports that this missense variant has a deleterious effect on protein structure/function; Has not been previously published as pathogenic or benign to our knowledge